The following is an entry in ClinVar:

NM_198253.3(TERT):c.1708A>T (p.Lys570Ter)

Gene: TERT (telomerase reverse transcriptase; minus strand). Cytogenetic location: 5p15.33.
Variant type: single nucleotide variant.
Coding change: c.1708A>T on transcript NM_198253.3 (MANE Select); coding-DNA position 1708, A replaced by T.
Protein change: p.Lys570Ter; replaces lysine 570 with a stop codon.
Molecular consequence: nonsense. On other transcripts: non-coding transcript variant (2).
Genome position (GRCh38, 1-based): chr5:1,282,490, T>A on the plus strand (A>T on the coding strand, the complement: TERT is on the minus strand). VCF-style: chr5-1282490-T-A. GRCh37 (hg19) VCF-style: chr5-1282605-T-A.
Other names: c.1708A>T, p.Lys570Ter (NM_001193376.3); short protein forms K570*.
Identifiers: ClinVar variation 4784648 (VCV004784648.1).

ClinVar aggregate classification (germline): Pathogenic (1 of 4 stars; one submission).

Conditions:
Dyskeratosis congenita, autosomal dominant 2. Identifiers: MedGen C3151443, MONDO:0013521, OMIM 613989.
Idiopathic Pulmonary Fibrosis. Also called: Idiopathic fibrosing alveolitis, chronic form; idiopathic fibrosing alveolitis. Identifiers: Orphanet 2032, MedGen C1800706, MeSH D054990, MONDO:0800504.

Submission:

Labcorp Genetics (formerly Invitae), Labcorp
Classification: Pathogenic for Dyskeratosis congenita, autosomal dominant 2; Idiopathic Pulmonary Fibrosis. Last evaluated: 2025-04-13. Review status: criteria provided, single submitter. Criteria: Invitae Variant Classification Sherloc (09022015). Collection method: clinical testing. Allele origin: germline.
Comment: This sequence change creates a premature translational stop signal (p.Lys570*) in the TERT gene. It is expected to result in an absent or disrupted protein product. Loss-of-function variants in TERT are known to be pathogenic (PMID: 16247010, 17460043). This variant is not present in population databases (gnomAD no frequency). This variant has not been reported in the literature in individuals affected with TERT-related conditions. For these reasons, this variant has been classified as Pathogenic.

Literature cited by the submitters: PubMed 16247010; PubMed 17460043.